The following is an entry in ClinVar:

NM_003072.5(SMARCA4):c.222+1G>T

Gene: SMARCA4 (SWI/SNF related BAF chromatin remodeling complex subunit ATPase 4; plus strand). Cytogenetic location: 19p13.2.
Variant type: single nucleotide variant.
Coding change: c.222+1G>T on transcript NM_003072.5 (MANE Select); the canonical splice donor site of the intron after coding-DNA position 222, G replaced by T.
Molecular consequence: splice donor variant.
Genome position (GRCh38, 1-based): chr19:10,984,374, G>T. VCF-style: chr19-10984374-G-T. GRCh37 (hg19) VCF-style: chr19-11095050-G-T.
Other names: c.222+1G>T (NM_001128844.3, NM_001128849.3, NM_001128847.4 and 6 more transcripts).
Identifiers: ClinVar variation 1787916 (VCV001787916.2), dbSNP rs1199819249, ClinGen allele CA404054739.
Genomic context (GRCh38, chr19:10,984,374, plus strand): 5'-CCCATCCCCACCCAGGGGCCTGGAGGGTACCCTCAGGACAACATGCACCAGATGCACAAG[G>T]TAGGGATCCCTGTGCCCGCCTCGCACCTGCGGCCTCTGCCCACTAGGGCTGCAGGCAGCC-3'

ClinVar aggregate classification (germline): Likely pathogenic (1 of 4 stars; one submission).

Conditions:
Hereditary cancer-predisposing syndrome. Also called: Neoplastic Syndromes, Hereditary; Tumor predisposition; Hereditary Cancer Syndrome; Hereditary neoplastic syndrome. Identifiers: Orphanet 140162, MedGen C0027672, MeSH D009386, MONDO:0015356.

Submission:

Ambry Genetics
Classification: Likely pathogenic for Hereditary cancer-predisposing syndrome. Last evaluated: 2020-01-15. Review status: criteria provided, single submitter. Criteria: Ambry Variant Classification Scheme 2023. Collection method: clinical testing. Allele origin: germline.
Comment: The c.222+1G>T intronic variant results from a G to T substitution one nucleotide after coding exon 1 of the SMARCA4 gene. This nucleotide position is highly conserved in available vertebrate species. Using the BDGP splice prediction tool, this alteration will abolish the native splice donor site. Using the ESEFinder splice prediction tool, this alteration will abolish the native splice donor site and create of a new alternate splice donor site one nucleotide upstream. An N-terminal loss-of-function variant has been observed in a case of familial small cell carcinoma of the ovary, hypercalcemic type (SCCOHT) and segregated with disease in that family (Witkowski L et al. Fam. Cancer, 2017 07;16:395-399). In addition, alterations that disrupt the canonical splice site are expected to cause aberrant splicing, resulting in an abnormal protein or a transcript that is subject to nonsense-mediated mRNA decay. As such, this alteration is classified as likely pathogenic.

Literature cited by the submitters: PubMed 27866340.